The following is an entry in ClinVar:

NM_005529.7(HSPG2):c.3386C>T (p.Pro1129Leu)

Gene: HSPG2 (heparan sulfate proteoglycan 2; minus strand). Cytogenetic location: 1p36.12.
Variant type: single nucleotide variant.
Coding change: c.3386C>T on transcript NM_005529.7 (MANE Select); coding-DNA position 3386, C replaced by T.
Protein change: p.Pro1129Leu; replaces proline 1129 with leucine.
Molecular consequence: missense variant.
Genome position (GRCh38, 1-based): chr1:21,874,919, G>A on the plus strand (C>T on the coding strand, the complement: HSPG2 is on the minus strand). VCF-style: chr1-21874919-G-A. GRCh37 (hg19) VCF-style: chr1-22201412-G-A.
Other names: c.3389C>T, p.Pro1130Leu (NM_001291860.2); short protein forms P1129L, P1130L.
Identifiers: ClinVar variation 1359769 (VCV001359769.8), dbSNP rs1400513449, ClinGen allele CA338961319.

ClinVar aggregate classification (germline): Uncertain significance (1 of 4 stars; one submission).

Allele frequency attached by ClinVar (database versions not stated): TOPMed below 0.00001.

Submission:

Labcorp Genetics (formerly Invitae), Labcorp
Classification: Uncertain significance. Last evaluated: 2020-12-24. Review status: criteria provided, single submitter. Criteria: Invitae Variant Classification Sherloc (09022015). Collection method: clinical testing. Allele origin: germline.
Comment: In summary, the available evidence is currently insufficient to determine the role of this variant in disease. Therefore, it has been classified as a Variant of Uncertain Significance. Algorithms developed to predict the effect of missense changes on protein structure and function are either unavailable or do not agree on the potential impact of this missense change (SIFT: "Deleterious"; PolyPhen-2: "Probably Damaging"; Align-GVGD: "Class C0"). This variant has not been reported in the literature in individuals with HSPG2-related conditions. This variant is not present in population databases (ExAC no frequency). This sequence change replaces proline with leucine at codon 1129 of the HSPG2 protein (p.Pro1129Leu). The proline residue is highly conserved and there is a moderate physicochemical difference between proline and leucine.